The following is an entry in ClinVar:

NM_016203.4(PRKAG2):c.1592G>A (p.Arg531Gln)

Gene: PRKAG2 (protein kinase AMP-activated non-catalytic subunit gamma 2; minus strand). Cytogenetic location: 7q36.1.
Variant type: single nucleotide variant.
Coding change: c.1592G>A on transcript NM_016203.4 (MANE Select); coding-DNA position 1592, G replaced by A.
Protein change: p.Arg531Gln; replaces arginine 531 with glutamine.
Molecular consequence: missense variant.
Genome position (GRCh38, 1-based): chr7:151,560,610, C>T on the plus strand (G>A on the coding strand, the complement: PRKAG2 is on the minus strand). VCF-style: chr7-151560610-C-T. GRCh37 (hg19) VCF-style: chr7-151257696-C-T.
Other names: p.R531Q:CGG>CAG; c.1460G>A, p.Arg487Gln (NM_001040633.2); c.1217G>A, p.Arg406Gln (NM_001304527.2); c.869G>A, p.Arg290Gln (NM_001304531.2, NM_024429.2); c.1220G>A, p.Arg407Gln (NM_001363698.2); short protein forms R531Q, R487Q, R406Q, R290Q, R407Q.
Identifiers: ClinVar variation 6852 (VCV000006852.16), dbSNP rs121908991, ClinGen allele CA013883.

ClinVar aggregate classification (germline): Pathogenic. Review status: criteria provided, multiple submitters, no conflicts (2 of 4 stars). 6 submissions from 6 submitters: Pathogenic (3). 3 of the submissions do not count toward it. Last evaluated 2026-01-15.

Conditions:
Lethal congenital glycogen storage disease of heart. Also called: PHOSPHORYLASE KINASE DEFICIENCY OF HEART; GLYCOGEN STORAGE DISEASE OF HEART. Identifiers: Orphanet 439854, MedGen C1849813, MONDO:0009867, OMIM 261740.
Hypertrophic cardiomyopathy. Also called: HYPERTROPHIC MYOCARDIOPATHY. Identifiers: Orphanet 217569, MedGen C0007194, MeSH D002312, MONDO:0005045, HP:0001639.

Submissions (7):

Labcorp Genetics (formerly Invitae), Labcorp
Classification: Pathogenic for Lethal congenital glycogen storage disease of heart. Last evaluated: 2026-01-15. Review status: criteria provided, single submitter. Criteria: Invitae Variant Classification Sherloc (09022015). Collection method: clinical testing. Allele origin: germline.
Comment: This sequence change replaces arginine, which is basic and polar, with glutamine, which is neutral and polar, at codon 531 of the PRKAG2 protein (p.Arg531Gln). This variant is not present in population databases (gnomAD no frequency). This missense change has been observed in individual(s) with hypertrophic cardiomyopathy and/or nonlysosomal heart glycogenosis (PMID: 15877279, 25611685). In at least one individual the variant was observed to be de novo. ClinVar contains an entry for this variant (Variation ID: 6852). Invitae Evidence Modeling of protein sequence and biophysical properties (such as structural, functional, and spatial information, amino acid conservation, physicochemical variation, residue mobility, and thermodynamic stability) indicates that this missense variant is expected to disrupt PRKAG2 protein function with a positive predictive value of 95%. Experimental studies have shown that this missense change affects PRKAG2 function (PMID: 15877279). This variant disrupts the p.Arg531 amino acid residue in PRKAG2. Other variant(s) that disrupt this residue have been determined to be pathogenic (PMID: 11748095, 14722619, 27621313). This suggests that this residue is clinically significant, and that variants that disrupt this residue are likely to be disease-causing. For these reasons, this variant has been classified as Pathogenic.

GeneDx
Classification: Pathogenic. Last evaluated: 2025-10-20. Review status: criteria provided, single submitter. Criteria: GeneDx Variant Classification Process June 2021. Collection method: clinical testing. Allele origin: germline. Affected: yes.
Comment: Identified in multiple patients with fatal congenital nonlysosomal cardiac glycogenosis including several de novo occurences with and without confirmed parentage (PMID: 35050212, 15877279, 30430036, 28801758); Identified in HCM patient cohorts where clinical details were not provided (PMID: 27532257, 25611685); Published functional studies demonstrate a damaging effect as this variant severely impairs AMP and ATP by the gama-2-subunit and increases the basal phosphorylation and activity of AMPK (PMID: 15877279); Not observed at significant frequency in large population cohorts (gnomAD); In silico analysis supports that this missense variant has a deleterious effect on protein structure/function; This variant is associated with the following publications: (PMID: 25611685, 27532257, 15877279, 30430036, 28801758, 35050212)

Victorian Clinical Genetics Services, Murdoch Childrens Research Institute
Classification: Pathogenic for Lethal congenital glycogen storage disease of heart. Last evaluated: 2020-05-26. Review status: criteria provided, single submitter. Criteria: ACMG Guidelines, 2015. Collection method: clinical testing. Allele origin: germline. Inheritance: Autosomal dominant inheritance. Affected: yes.
Comment: Based on the classification scheme VCGS_Germline_v1.1.1, this variant is classified as Pathogenic. Following criteria are met: 0102 - Loss-of-function is a known mechanism of disease for this gene (OMIM; PMID 15877279). (N) 0107 - This gene is known to be associated with autosomal dominant disease (OMIM). (N) 0200 - Variant is predicted to result in a missense amino acid change from an arginine to a glutamine (exon 15). (N) 0251 - Variant is heterozygous. (N) 0301 - Variant is absent from gnomAD. (P) 0501 - Missense variant consistently predicted to be damaging by multiple in silico tools or highly conserved with a major amino acid change. (P) 0600 - Variant is located in an annotated domain or motif (predicted ligand binding sites within the CBS domain). (N) 0703 - Comparable variants have moderate previous evidence for pathogenicity. Alternative changes within this residue, p.(Arg531Leu) and p.(Arg531Gly), have previous pathogenic reports in clinical cases (ClinVar). (P) 0801 - Strong previous evidence of pathogenicity in unrelated individuals. This variant has previously been reported pathogenic in multiple individuals with severe infant onset hypertrophic cardiomyopathy (ClinVar; PMID: 28801758, 15877279). (P) 1002 - Moderate functional evidence supporting abnormal protein function. This variant has been shown to have loss of function effects resulting in enhanced downstream activity (PMID 15877279). (P) 1208 - Inheritance information for this variant is not currently available. (N) Legend: (P) - Pathogenic, (N) - Neutral, (B) - Benign

Oxford Medical Genetics Laboratories, Oxford University Hospitals NHS Foundation Trust
Classification: Pathogenic for Lethal congenital glycogen storage disease of heart. Last evaluated: 2019-05-03. Review status: no assertion criteria provided. Collection method: clinical testing. Allele origin: de novo. Affected: yes. Not counted in ClinVar's aggregate classification.

Laboratory for Molecular Medicine, Mass General Brigham Personalized Medicine
Classification: Pathogenic for Hypertrophic cardiomyopathy. Last evaluated: 2012-07-18. Review status: no assertion criteria provided. Collection method: clinical testing. Allele origin: germline. Inheritance: Autosomal dominant inheritance. Observed: 4 variant alleles. Not counted in ClinVar's aggregate classification.
Comment: The Arg531Gln variant in PRKAG2 has been reported in 3 infants with fatal congen ital heart glycogenosis, occurring de novo in one case, and was absent in 190 co ntrol chromosomes (Burwinkel 2005). In addition, this variant has been identifie d by our laboratory in 4 infants with HCM (including one individual who also had LVNC and features of glycogen storage disease) and appears to have occurred de novo in 2 of these cases (only one parent was available in the third case). Bioc hemical characterization of the Arg531Gln variant showed that it has a significa nt impact on protein function (Burwinkel 2005). In summary, the Arg531Gln varian t meets our criteria for pathogenicity based on de novo occurrence and functional studies.

OMIM
Classification: Pathogenic for GLYCOGEN STORAGE DISEASE OF HEART, LETHAL CONGENITAL. Last evaluated: 2005-06-01. Review status: no assertion criteria provided. Collection method: literature only. Allele origin: germline. Not counted in ClinVar's aggregate classification.

Dr. Peter K. Rogan Lab, Western University
No classification provided (evidence only). Condition: Gastric cancer. Review status: no classification provided. Collection method: in vitro. Allele origin: not applicable. Functional consequence: retained intron. Not counted in ClinVar's aggregate classification.

Literature cited by the submitters: PubMed 15877279 (cited by 4 submitters); PubMed 25611685 (cited by Labcorp Genetics (formerly Invitae), Labcorp); PubMed 11748095 (cited by Labcorp Genetics (formerly Invitae), Labcorp); PubMed 14722619 (cited by Labcorp Genetics (formerly Invitae), Labcorp); PubMed 27621313 (cited by Labcorp Genetics (formerly Invitae), Labcorp); PubMed 28801758 (cited by Victorian Clinical Genetics Services, Murdoch Childrens Research Institute); PubMed 10368461 (cited by OMIM); PubMed 14696860 (cited by OMIM).